The following is an entry in ClinVar:

NM_018263.6(ASXL2):c.1709C>G (p.Ser570Cys)

Gene: ASXL2 (ASXL transcriptional regulator 2; minus strand). Cytogenetic location: 2p23.3.
Variant type: single nucleotide variant.
Coding change: c.1709C>G on transcript NM_018263.6 (MANE Select); coding-DNA position 1709, C replaced by G.
Protein change: p.Ser570Cys; replaces serine 570 with cysteine.
Molecular consequence: missense variant.
Genome position (GRCh38, 1-based): chr2:25,749,847, G>C on the plus strand (C>G on the coding strand, the complement: ASXL2 is on the minus strand). VCF-style: chr2-25749847-G-C. GRCh37 (hg19) VCF-style: chr2-25972716-G-C.
Other names: c.1535C>G, p.Ser512Cys (NM_001369346.1); c.929C>G, p.Ser310Cys (NM_001369347.1); short protein forms S310C, S512C, S570C.
Identifiers: ClinVar variation 1331546 (VCV001331546.4), dbSNP rs2149140614, ClinGen allele CA346074592.

ClinVar aggregate classification (germline): Uncertain significance (1 of 4 stars; one submission).

Submission:

Greenwood Genetic Center Diagnostic Laboratories, Greenwood Genetic Center
Classification: Uncertain significance. Last evaluated: 2020-12-15. Review status: criteria provided, single submitter. Criteria: ACMG Guidelines, 2015. Collection method: clinical testing. Allele origin: germline. Affected: yes.
Comment: PM2